The following is an entry in ClinVar:

NM_153766.3(KCNJ1):c.*801C>T

Gene: KCNJ1 (potassium inwardly rectifying channel subfamily J member 1; minus strand). Cytogenetic location: 11q24.3.
Variant type: single nucleotide variant.
Coding change: c.*801C>T on transcript NM_153766.3 (MANE Select); 801 bases downstream of the stop codon, C replaced by T.
Molecular consequence: 3 prime UTR variant.
Genome position (GRCh38, 1-based): chr11:128,838,324, G>A on the plus strand (C>T on the coding strand, the complement: KCNJ1 is on the minus strand). VCF-style: chr11-128838324-G-A. GRCh37 (hg19) VCF-style: chr11-128708219-G-A.
Other names: c.*801C>T (NM_000220.6, NM_153764.3, NM_153765.3 and 1 more transcripts).
Identifiers: ClinVar variation 879568 (VCV000879568.5), dbSNP rs7117664, ClinGen allele CA230626815.

ClinVar aggregate classification (germline): Likely benign. Review status: criteria provided, multiple submitters, no conflicts (2 of 4 stars). 2 submissions from 2 submitters: Likely benign (2). Last evaluated 2018-01-13.

Conditions:
Bartter disease type 2. Also called: HYPOKALEMIC ALKALOSIS WITH HYPERCALCIURIA 2, ANTENATAL; HYPERPROSTAGLANDIN E SYNDROME 2; Bartter syndrome, type 2, antenatal. Identifiers: Orphanet 112, Orphanet 620220, MedGen C1855849, MONDO:0009424, OMIM 241200.

Allele frequency attached by ClinVar (database versions not stated): 1000 Genomes Project 30x 0.00328; 1000 Genomes Project 0.00379; gnomAD 0.00394 and 0.00429; TOPMed 0.00456.

Submissions (2):

Illumina Laboratory Services, Illumina
Classification: Likely benign for Bartter disease type 2. Last evaluated: 2018-01-13. Review status: criteria provided, single submitter. Criteria: ICSL Variant Classification Criteria 13 December 2019. Collection method: clinical testing. Allele origin: germline.
Comment: This variant was observed in the ICSL laboratory as part of a predisposition screen in an ostensibly healthy population. It had not been previously curated by ICSL or reported in the Human Gene Mutation Database (HGMD: prior to June 1st, 2018), and was therefore a candidate for classification through an automated scoring system. Utilizing variant allele frequency, disease prevalence and penetrance estimates, and inheritance mode, an automated score was calculated to assess if this variant is too frequent to cause the disease. Based on the score and internal cut-off values, a variant classified as likely benign is not then subjected to further curation. The score for this variant resulted in a classification of likely benign for this disease.

Breakthrough Genomics
Classification: Likely benign. Review status: criteria provided, single submitter. Criteria: ACMG Guidelines, 2015. Collection method: not provided. Allele origin: germline. Inheritance: Autosomal recessive inheritance. Affected: yes.